The following is an entry in ClinVar:

ClinVar aggregate classification (germline): Benign. Review status: criteria provided, multiple submitters, no conflicts (2 of 4 stars). 4 submissions from 4 submitters: Benign (4). Last evaluated 2024-07-15.

Conditions:
Developmental and epileptic encephalopathy, 77. Also called: GLYCOSYLPHOSPHATIDYLINOSITOL BIOSYNTHESIS DEFECT 19; MULTIPLE CONGENITAL ANOMALIES-HYPOTONIA-SEIZURES SYNDROME 4; EPILEPTIC ENCEPHALOPATHY, EARLY INFANTILE, 77. Identifiers: MedGen C5231405, MONDO:0032808, OMIM 618548.

Allele frequency attached by ClinVar (database versions not stated): TOPMed 0.44947; gnomAD 0.44949 and 0.45815; gnomAD exomes 0.47499; ExAC 0.50682; 1000 Genomes Project 30x 0.52389; 1000 Genomes Project 0.52875.
gnomAD v4.1: 470,046 of 1,138,832 alleles (41%); highest among the groups gnomAD compares: East Asian, 66%; 102,970 homozygotes.

Submissions (4):

Unidad de Genómica Garrahan, Hospital de Pediatría Garrahan
Classification: Benign. Last evaluated: 2024-07-15. Review status: criteria provided, single submitter. Criteria: ACMG Guidelines, 2015. Collection method: clinical testing. Allele origin: germline. Affected: no. Observed: 52 variant alleles.
Comment: This variant is classified as Benign based on local population frequency. This variant was detected in 56% of patients studied in a panel designed for Epileptic and Developmental Encephalopathy and Progressive Myoclonus Epilepsy. Number of patients: 52. Only high quality variants are reported.

Genome-Nilou Lab
Classification: Benign for Developmental and epileptic encephalopathy, 77. Last evaluated: 2021-07-14. Review status: criteria provided, single submitter. Criteria: ACMG Guidelines, 2015. Collection method: clinical testing. Allele origin: germline. Affected: no.

GeneDx
Classification: Benign. Last evaluated: 2021-05-14. Review status: criteria provided, single submitter. Criteria: GeneDx Variant Classification Process June 2021. Collection method: clinical testing. Allele origin: germline. Affected: yes.

Breakthrough Genomics
Classification: Benign. Review status: criteria provided, single submitter. Criteria: ACMG Guidelines, 2015. Collection method: not provided. Allele origin: germline. Inheritance: Autosomal recessive inheritance. Affected: yes.

NM_004204.5(PIGQ):c.1532-68G>C

Gene: PIGQ (phosphatidylinositol glycan anchor biosynthesis class Q; plus strand). Cytogenetic location: 16p13.3.
Variant type: single nucleotide variant.
Coding change: c.1532-68G>C on transcript NM_004204.5 (MANE Select); 68 bases into the intron before coding-DNA position 1532, G replaced by C.
Molecular consequence: intron variant.
Genome position (GRCh38, 1-based): chr16:582,180, G>C. VCF-style: chr16-582180-G-C. GRCh37 (hg19) VCF-style: chr16-632180-G-C.
Other names: c.1532-703G>C (NM_148920.4).
Identifiers: ClinVar variation 1185567 (VCV001185567.7), dbSNP rs4984897, ClinGen allele CA7780388.